The following is an entry in ClinVar:

NM_001165963.4(SCN1A):c.5038G>T (p.Val1680Phe)

Genes: SCN1A (sodium voltage-gated channel alpha subunit 1; minus strand), LOC102724058 (uncharacterized LOC102724058; plus strand). Cytogenetic location: 2q24.3.
Variant type: single nucleotide variant.
Coding change: c.5038G>T on transcript NM_001165963.4 (MANE Select); coding-DNA position 5038, G replaced by T.
Protein change: p.Val1680Phe; replaces valine 1680 with phenylalanine.
Molecular consequence: missense variant. On other transcripts: non-coding transcript variant (1).
Genome position (GRCh38, 1-based): chr2:165,992,237, C>A on the plus strand (G>T on the coding strand, the complement: SCN1A is on the minus strand). VCF-style: chr2-165992237-C-A. GRCh37 (hg19) VCF-style: chr2-166848747-C-A.
Other names: c.5002G>T, p.Val1668Phe (NM_001353954.2, NM_001353955.2); c.4954G>T, p.Val1652Phe (NM_001353957.2, NM_001353958.2, NM_001165964.3); c.4951G>T, p.Val1651Phe (NM_001353960.2); c.2596G>T, p.Val866Phe (NM_001353961.2); c.5005G>T, p.Val1669Phe (NM_006920.6, NM_001353949.2, NM_001353950.2 and 2 more transcripts); c.5038G>T, p.Val1680Phe (NM_001202435.3, NM_001353948.2); short protein forms V1651F, V1652F, V1668F, V1669F, V1680F, V866F.
Identifiers: ClinVar variation 4800256 (VCV004800256.1).
Genomic context (GRCh38, chr2:165,992,237, plus strand): 5'-CAACTTCCCTCTTAACATAGGCAAAGTTGGACATCCCAAAGATGGCGTAGATGAACATGA[C>A]TAGGAAGAGTAGGAGGCCGATGTTAAACAACGCAGGAAGGGACATCATCAAAGCAAAGAG-3'
Protein context (NP_001159435.1, residues 1670-1690): LFNIGLLLFL[Val1680Phe]MFIYAIFGMS

ClinVar aggregate classification (germline): Likely pathogenic (1 of 4 stars; one submission).

Conditions:
Early-infantile DEE. Also called: Early infantile epileptic encephalopathy with suppression bursts; Early infantile epileptic encephalopathy; Ohtahara syndrome. Identifiers: Orphanet 1934, MedGen C0393706, MONDO:0800491.

Submission:

Labcorp Genetics (formerly Invitae), Labcorp
Classification: Likely pathogenic for Early-infantile DEE. Last evaluated: 2025-05-30. Review status: criteria provided, single submitter. Criteria: Invitae Variant Classification Sherloc (09022015). Collection method: clinical testing. Allele origin: germline.
Comment: This sequence change replaces valine, which is neutral and non-polar, with phenylalanine, which is neutral and non-polar, at codon 1680 of the SCN1A protein (p.Val1680Phe). This variant is not present in population databases (gnomAD no frequency). This variant has not been reported in the literature in individuals affected with SCN1A-related conditions. Invitae Evidence Modeling of protein sequence and biophysical properties (such as structural, functional, and spatial information, amino acid conservation, physicochemical variation, residue mobility, and thermodynamic stability) indicates that this missense variant is expected to disrupt SCN1A protein function with a positive predictive value of 95%. This variant disrupts the p.Val1680 amino acid residue in SCN1A. Other variant(s) that disrupt this residue have been determined to be pathogenic (internal data). This suggests that this residue is clinically significant, and that variants that disrupt this residue are likely to be disease-causing. In summary, the currently available evidence indicates that the variant is pathogenic, but additional data are needed to prove that conclusively. Therefore, this variant has been classified as Likely Pathogenic.